The following is an entry in ClinVar:

ClinVar aggregate classification (germline): Uncertain significance (1 of 4 stars; one submission).

Submission:

Ambry Genetics
Classification: Uncertain significance. Last evaluated: 2023-04-22. Review status: criteria provided, single submitter. Criteria: Ambry Variant Classification Scheme 2023. Collection method: clinical testing. Allele origin: germline.
Comment: The p.A376D variant (also known as c.1127C>A), located in coding exon 1 of the MLH3 gene, results from a C to A substitution at nucleotide position 1127. The alanine at codon 376 is replaced by aspartic acid, an amino acid with dissimilar properties. This amino acid position is conserved. In addition, the in silico prediction for this alteration is inconclusive. Since supporting evidence is limited at this time, the clinical significance of this alteration remains unclear.

NM_001040108.2(MLH3):c.1127C>A (p.Ala376Asp)

Gene: MLH3 (mutL homolog 3; minus strand). Cytogenetic location: 14q24.3.
Variant type: single nucleotide variant.
Coding change: c.1127C>A on transcript NM_001040108.2 (MANE Select); coding-DNA position 1127, C replaced by A.
Protein change: p.Ala376Asp; replaces alanine 376 with aspartic acid.
Molecular consequence: missense variant.
Genome position (GRCh38, 1-based): chr14:75,048,529, G>T on the plus strand (C>A on the coding strand, the complement: MLH3 is on the minus strand). VCF-style: chr14-75048529-G-T. GRCh37 (hg19) VCF-style: chr14-75515232-G-T.
Other names: c.1127C>A, p.Ala376Asp (NM_014381.3); short protein forms A376D.
Identifiers: ClinVar variation 2563545 (VCV002563545.2), dbSNP rs2139589893, ClinGen allele CA390447405.
Genomic context (GRCh38, chr14:75,048,529, plus strand): 5'-TTATTACATGCTTCCTGGAAATTGCTCCTCTCATCGGAAGTCACACGCTTCTGAAGAGTA[G>T]CATCAAATAAACTAAAACCATTATCTTCACTAAATTCCTTAATATCCTCACCTGATAATT-3'
Protein context (NP_001035197.1, residues 366-386): SEDNGFSLFD[Ala376Asp]TLQKRVTSDE